The following is an entry in ClinVar:

NM_181458.4(PAX3):c.1404T>G (p.Tyr468Ter)

Gene: PAX3 (paired box 3; minus strand). Cytogenetic location: 2q36.1.
Variant type: single nucleotide variant.
Coding change: c.1404T>G on transcript NM_181458.4 (MANE Select); coding-DNA position 1404, T replaced by G.
Protein change: p.Tyr468Ter; replaces tyrosine 468 with a stop codon.
Molecular consequence: nonsense. On other transcripts: intron variant (2).
Genome position (GRCh38, 1-based): chr2:222,201,960, A>C on the plus strand (T>G on the coding strand, the complement: PAX3 is on the minus strand). VCF-style: chr2-222201960-A-C. GRCh37 (hg19) VCF-style: chr2-223066679-A-C.
Other names: c.1401T>G, p.Tyr467Ter (NM_001127366.3); c.1404T>G, p.Tyr468Ter (NM_181457.4, NM_181459.4); c.1174-518T>G (NM_181460.4, NM_181461.4); short protein forms Y467*, Y468*.
Identifiers: ClinVar variation 5020413 (VCV005020413.1).
Genomic context (GRCh38, chr2:222,201,960, plus strand): 5'-CTCCCTTCCAGGAGAAATTGCCCCCTAAAAAGTCCAAGGCTTACTTTGTCCATACTGCCC[A>C]TATTGGTAGCCTGTGACAGGGTCCATACTGTAGCCTGTGGTGCTATAGGTGGGTGGACAG-3'

ClinVar aggregate classification (germline): Uncertain significance (1 of 4 stars; one submission).

Submission:

Dasa
Classification: Uncertain significance. Last evaluated: 2026-06-08. Review status: criteria provided, single submitter. Criteria: DASA Assertion Criteria. Collection method: clinical testing. Allele origin: germline.
Comment: NM_181458.4(PAX3):c.1404T>G (p.Tyr468*) is a nonsense variant in PAX3 predicted to introduce a premature termination codon. This variant is rare in population databases. The currently available literature and clinical evidence are not sufficient to establish a definitive association between this variant and the reported condition. Therefore, this variant is classified as a variant of uncertain significance.